The following is an entry in ClinVar:

ClinVar aggregate classification (germline): Uncertain significance (1 of 4 stars; one submission).

Conditions:
Palmoplantar keratoderma-esophageal carcinoma syndrome (TOC). Also called: Tylosis with Esophageal Cancer; KERATOSIS PALMARIS ET PLANTARIS WITH ESOPHAGEAL CANCER; PALMOPLANTAR KERATODERMA WITH ESOPHAGEAL CANCER. Identifiers: Orphanet 2198, MedGen C1835664, MONDO:0007856, OMIM 148500.

gnomAD v4.1: 4 of 1,612,010 alleles (0.00025%); highest among the groups gnomAD compares: Non-Finnish European, 0.00034%; no homozygotes.

Submission:

OLLIN Analises Genomicas, OLLIN
Classification: Uncertain significance for Palmoplantar keratoderma-esophageal carcinoma syndrome. Last evaluated: 2026-02-13. Review status: criteria provided, single submitter. Criteria: ACMG Guidelines 2015 PMID 25741868. Collection method: clinical testing. Allele origin: germline. Observed: 1 variant allele.
Comment: PM2_P, BP4_M

NM_001005498.4(RHBDF2):c.52C>T (p.Arg18Cys)

Gene: RHBDF2 (rhomboid 5 homolog 2; minus strand). Cytogenetic location: 17q25.1.
Variant type: single nucleotide variant.
Coding change: c.52C>T on transcript NM_001005498.4 (MANE Select); coding-DNA position 52, C replaced by T.
Protein change: p.Arg18Cys; replaces arginine 18 with cysteine.
Molecular consequence: missense variant. On other transcripts: non-coding transcript variant (3).
Genome position (GRCh38, 1-based): chr17:76,481,473, G>A on the plus strand (C>T on the coding strand, the complement: RHBDF2 is on the minus strand). VCF-style: chr17-76481473-G-A. GRCh37 (hg19) VCF-style: chr17-74477555-G-A.
Other names: c.52C>T, p.Arg18Cys (NM_001376228.1, NM_001376229.1, NM_001376230.1 and 1 more transcripts); short protein forms R18C.
Identifiers: ClinVar variation 4814099 (VCV004814099.1).